The following is an entry in ClinVar:

ClinVar aggregate classification (germline): Uncertain significance (1 of 4 stars; one submission).

gnomAD v4.1: 1 of 1,613,996 alleles (0.000062%); no homozygotes.

Submission:

GeneDx
Classification: Uncertain significance. Last evaluated: 2019-05-28. Review status: criteria provided, single submitter. Criteria: GeneDx Variant Classification Process June 2021. Collection method: clinical testing. Allele origin: germline. Affected: yes.
Comment: Has not been previously published as pathogenic or benign to our knowledge; Not observed in large population cohorts (Lek et al., 2016); In-silico analysis, which includes splice predictors and evolutionary conservation, is inconclusive as to whether the variant alters gene splicing. In the absence of RNA/functional studies, the actual effect of this sequence change is unknown.

NM_005901.6(SMAD2):c.1281-11C>A

Gene: SMAD2 (SMAD family member 2; minus strand). Cytogenetic location: 18q21.1.
Variant type: single nucleotide variant.
Coding change: c.1281-11C>A on transcript NM_005901.6 (MANE Select); 11 bases into the intron before coding-DNA position 1281, C replaced by A.
Molecular consequence: intron variant.
Genome position (GRCh38, 1-based): chr18:47,841,961, G>T on the plus strand (C>A on the coding strand, the complement: SMAD2 is on the minus strand). VCF-style: chr18-47841961-G-T. GRCh37 (hg19) VCF-style: chr18-45368332-G-T.
Other names: c.1191-11C>A (NM_001135937.3); c.1281-11C>A (NM_001003652.4).
Identifiers: ClinVar variation 1306114 (VCV001306114.2), dbSNP rs781677330, ClinGen allele CA2573054669.
Genomic context (GRCh38, chr18:47,841,961, plus strand): 5'-CATTCAGATGAAGTTCAATCCAGCAAGGAGTACTTGTTACCGTCTGCCTTCTGTTTAAAA[G>T]AATACAGGAAAATGATTATGAAATTCAAGTCCACAGGCAGGGAAAATGGCTATGTTTAGG-3'